The following is an entry in ClinVar:

ClinVar aggregate classification (germline): Uncertain significance (1 of 4 stars; one submission).

Conditions:
Wilms tumor 1 (WT1). Also called: Wilms tumor, somatic. Identifiers: Orphanet 654, MedGen CN033288, MONDO:0008679, OMIM 194070.

Submission:

Labcorp Genetics (formerly Invitae), Labcorp
Classification: Uncertain significance for Wilms tumor 1. Last evaluated: 2020-05-30. Review status: criteria provided, single submitter. Criteria: Invitae Variant Classification Sherloc (09022015). Collection method: clinical testing. Allele origin: germline.
Comment: In summary, the available evidence is currently insufficient to determine the role of this variant in disease. Therefore, it has been classified as a Variant of Uncertain Significance. Experimental studies and prediction algorithms are not available or were not evaluated, and the functional significance of this variant is currently unknown. This variant has not been reported in the literature in individuals with GPC3-related conditions. This variant is not present in population databases (ExAC no frequency). This variant, c.88_93del, results in the deletion of 2 amino acid(s) of the GPC3 protein (p.Pro30_Pro31del), but otherwise preserves the integrity of the reading frame.

NM_004484.4(GPC3):c.79CCG[3] (p.Pro30_Pro31del)

Gene: GPC3 (glypican 3; minus strand). Cytogenetic location: Xq26.2.
Variant type: Microsatellite.
Coding change: c.79CCG[3] on transcript NM_004484.4 (MANE Select); three copies in a row of the 3-base unit CCG starting at c.79; the reference has five copies in a row; two copies, 6 bases deleted.
Protein change: p.Pro30_Pro31del.
Molecular consequence: inframe deletion.
Genome position (GRCh38, 1-based): chrX:133,985,357-133,985,362, CGGCGG deleted on the plus strand (CCGCCG on the coding strand, the reverse complement: GPC3 is on the minus strand); deleting any 6 consecutive bases within chrX:133,985,357-133,985,371 gives the same sequence; the position shown is the placement nearest the transcript's 3' end. VCF-style (leftmost placement, unchanged base first): chrX-133985356-CCGGCGG-C. GRCh37 (hg19) VCF-style: chrX-133119383-CCGGCGG-C.
Other names: c.79CCG[3], p.Pro30_Pro31del (NM_001164617.2, NM_001164618.2, NM_001164619.2).
Identifiers: ClinVar variation 1020350 (VCV001020350.9), dbSNP rs749104500, ClinGen allele CA2459573986.